The following is an entry in ClinVar:

ClinVar aggregate classification (germline): Uncertain significance (1 of 4 stars; one submission).

gnomAD v4.1: 1 of 1,614,182 alleles (0.000062%); highest among the groups gnomAD compares: Non-Finnish European, 0.000085%; no homozygotes.

Submission:

Labcorp Genetics (formerly Invitae), Labcorp
Classification: Uncertain significance. Last evaluated: 2024-03-04. Review status: criteria provided, single submitter. Criteria: Invitae Variant Classification Sherloc (09022015). Collection method: clinical testing. Allele origin: germline.
Comment: This sequence change replaces lysine, which is basic and polar, with glutamine, which is neutral and polar, at codon 426 of the FZD4 protein (p.Lys426Gln). This variant is not present in population databases (gnomAD no frequency). This variant has not been reported in the literature in individuals affected with FZD4-related conditions. Advanced modeling of protein sequence and biophysical properties (such as structural, functional, and spatial information, amino acid conservation, physicochemical variation, residue mobility, and thermodynamic stability) performed at Invitae indicates that this missense variant is not expected to disrupt FZD4 protein function with a negative predictive value of 80%. In summary, the available evidence is currently insufficient to determine the role of this variant in disease. Therefore, it has been classified as a Variant of Uncertain Significance.

NM_012193.4(FZD4):c.1276A>C (p.Lys426Gln)

Genes: FZD4 (frizzled class receptor 4; minus strand), PRSS23 (serine protease 23; plus strand). Cytogenetic location: 11q14.2.
Variant type: single nucleotide variant.
Coding change: c.1276A>C on transcript NM_012193.4 (MANE Select); coding-DNA position 1276, A replaced by C.
Protein change: p.Lys426Gln; replaces lysine 426 with glutamine.
Molecular consequence: missense variant. On other transcripts: non-coding transcript variant (2).
Genome position (GRCh38, 1-based): chr11:86,951,480, T>G on the plus strand (A>C on the coding strand, the complement: FZD4 is on the minus strand). VCF-style: chr11-86951480-T-G. GRCh37 (hg19) VCF-style: chr11-86662522-T-G.
Other names: short protein forms K426Q.
Identifiers: ClinVar variation 3678396 (VCV003678396.2).